The following is an entry in ClinVar:

NM_001376.5(DYNC1H1):c.335A>G (p.Lys112Arg)

Gene: DYNC1H1 (dynein cytoplasmic 1 heavy chain 1; plus strand). Cytogenetic location: 14q32.31.
Variant type: single nucleotide variant.
Coding change: c.335A>G on transcript NM_001376.5 (MANE Select); coding-DNA position 335, A replaced by G.
Protein change: p.Lys112Arg; replaces lysine 112 with arginine.
Molecular consequence: missense variant.
Genome position (GRCh38, 1-based): chr14:101,975,790, A>G. VCF-style: chr14-101975790-A-G. GRCh37 (hg19) VCF-style: chr14-102442127-A-G.
Other names: short protein forms K112R.
Identifiers: ClinVar variation 1801062 (VCV001801062.6), dbSNP rs757242487, ClinGen allele CA7351496.

ClinVar aggregate classification (germline): Conflicting classifications of pathogenicity. Review status: criteria provided, conflicting classifications (1 of 4 stars). 2 submissions from 2 submitters: Uncertain significance (1); Likely benign (1). Last evaluated 2022-09-27.

Conditions:
Charcot-Marie-Tooth disease axonal type 2O. Also called: CHARCOT-MARIE-TOOTH NEUROPATHY, AXONAL, TYPE 2O; CHARCOT-MARIE-TOOTH DISEASE, AXONAL, AUTOSOMAL DOMINANT, TYPE 2O; Charcot-Marie-Tooth Neuropathy Type 2O; Charcot-Marie-Tooth disease, axonal, type 20. Identifiers: Orphanet 284232, MedGen C3280220, MONDO:0013644, OMIM 614228.

Allele frequency attached by ClinVar (database versions not stated): gnomAD exomes below 0.00001; ExAC 0.00002; TOPMed 0.00002.
gnomAD v4.1: 4 of 1,609,628 alleles (0.00025%); highest among the groups gnomAD compares: African/African-American, 0.0053%; no homozygotes.

Submissions (2):

Labcorp Genetics (formerly Invitae), Labcorp
Classification: Likely benign for Charcot-Marie-Tooth disease axonal type 2O. Last evaluated: 2022-09-27. Review status: criteria provided, single submitter. Criteria: Invitae Variant Classification Sherloc (09022015). Collection method: clinical testing. Allele origin: germline.

GeneDx
Classification: Uncertain significance. Last evaluated: 2022-05-24. Review status: criteria provided, single submitter. Criteria: GeneDx Variant Classification Process June 2021. Collection method: clinical testing. Allele origin: germline. Affected: yes.
Comment: In silico analysis supports that this missense variant does not alter protein structure/function; Has not been previously published as pathogenic or benign to our knowledge; This variant is associated with the following publications: (PMID: 26100331, 25609763, 25512093)